The following is an entry in ClinVar:

NM_007294.4(BRCA1):c.5216A>G (p.Asp1739Gly)

Gene: BRCA1 (BRCA1 DNA repair associated; minus strand). Cytogenetic location: 17q21.31.
Variant type: single nucleotide variant.
Coding change: c.5216A>G on transcript NM_007294.4 (MANE Select); coding-DNA position 5216, A replaced by G.
Protein change: p.Asp1739Gly; replaces aspartic acid 1739 with glycine.
Molecular consequence: missense variant. On other transcripts: non-coding transcript variant (1).
Genome position (GRCh38, 1-based): chr17:43,057,113, T>C on the plus strand (A>G on the coding strand, the complement: BRCA1 is on the minus strand). VCF-style: chr17-43057113-T-C. GRCh37 (hg19) VCF-style: chr17-41209130-T-C.
Other names: c.5156A>G, p.Asp1719Gly (NM_001407649.1); c.5138A>G, p.Asp1713Gly (NM_001407652.1, NM_001407653.1, NM_001407654.1 and 1 more transcripts); c.5135A>G, p.Asp1712Gly (NM_001407656.1, NM_001407657.1, NM_001407658.1); c.5132A>G, p.Asp1711Gly (NM_001407659.1, NM_001407660.1, NM_001407661.1 and 2 more transcripts); c.4709A>G, p.Asp1570Gly (NM_001407965.1); c.4328A>G, p.Asp1443Gly (NM_001407966.1); c.4325A>G, p.Asp1442Gly (NM_001407967.1); c.2612A>G, p.Asp871Gly (NM_001407968.1); and 72 more; short protein forms D1739G, D1760G, D1692G, D635G, D1442G, D1570G, D1610G, D1612G.
Identifiers: ClinVar variation 55465 (VCV000055465.30), dbSNP rs80357227, ClinGen allele CA003367.

ClinVar aggregate classification (germline): Pathogenic/Likely pathogenic. Review status: criteria provided, multiple submitters, no conflicts (2 of 4 stars). 13 submissions from 13 submitters: Pathogenic (1); Likely pathogenic (7). 5 of the submissions do not count toward it. Last evaluated 2025-04-03.

Conditions:
Malignant tumor of breast. Also called: Cancer breast; Malignant breast neoplasm. Identifiers: MedGen C0006142, MONDO:0007254. Disease mechanism: loss of function.
Breast and/or ovarian cancer. Identifiers: MedGen CN221562.
Hereditary cancer-predisposing syndrome. Also called: Hereditary Cancer Syndrome; Hereditary neoplastic syndrome; Neoplastic Syndromes, Hereditary; Tumor predisposition. Identifiers: Orphanet 140162, MedGen C0027672, MeSH D009386, MONDO:0015356.
Hereditary breast ovarian cancer syndrome. Also called: BRCA1- and BRCA2-Associated Hereditary Breast and Ovarian Cancer; Hereditary breast and ovarian cancer syndrome; Hereditary breast and ovarian cancer syndrome (HBOC); Breast and ovarian cancer; Hereditary breast and/or ovarian cancer syndrome; Hereditary breast and ovarian cancer. Identifiers: Orphanet 145, MedGen C0677776, MeSH D061325, MONDO:0003582. Disease mechanism: loss of function.
Breast-ovarian cancer, familial, susceptibility to, 1 (BROVCA1). Also called: BRCA1 Hereditary Breast and Ovarian Cancer; OVARIAN CANCER, SUSCEPTIBILITY TO. Identifiers: Orphanet 145, MedGen C2676676, MONDO:0011450, OMIM 604370. Disease mechanism: loss of function.

Allele frequency attached by ClinVar (database versions not stated): gnomAD exomes below 0.00001.
gnomAD v4.1: 1 of 1,613,972 alleles (0.000062%); highest among the groups gnomAD compares: Non-Finnish European, 0.000085%; no homozygotes.

Submissions 1 to 8 of 14:

Labcorp Genetics (formerly Invitae), Labcorp
Classification: Likely pathogenic for Hereditary breast ovarian cancer syndrome. Last evaluated: 2025-04-03. Review status: criteria provided, single submitter. Criteria: Invitae Variant Classification Sherloc (09022015). Collection method: clinical testing. Allele origin: germline.
Comment: This sequence change replaces aspartic acid, which is acidic and polar, with glycine, which is neutral and non-polar, at codon 1739 of the BRCA1 protein (p.Asp1739Gly). This variant is not present in population databases (gnomAD no frequency). This missense change has been observed in individual(s) with breast and/or ovarian cancer (PMID: 9333265, 12827452, 15800311, 19491284, 19949876, 35534704). This variant is also known as A5335G. ClinVar contains an entry for this variant (Variation ID: 55465). Invitae Evidence Modeling incorporating data from in vitro experimental studies (PMID: 30209399) indicates that this missense variant is expected to disrupt BRCA1 function with a positive predictive value of 95%. Experimental studies have shown that this missense change affects BRCA1 function (PMID: 15004537, 20516115, 23867111, 30209399, 32546644). In summary, the currently available evidence indicates that the variant is pathogenic, but additional data are needed to prove that conclusively. Therefore, this variant has been classified as Likely Pathogenic.

GeneDx
Classification: Likely pathogenic. Last evaluated: 2025-03-16. Review status: criteria provided, single submitter. Criteria: GeneDx Variant Classification Process June 2021. Collection method: clinical testing. Allele origin: germline. Affected: yes.
Comment: Observed in individuals with a personal and/or family history of breast and/or ovarian cancer (PMID: 9333265, 12827452, 15800311, 19491284, 19949876, 29752822, 34597585, 35534704); Published functional studies demonstrate a damaging effect: defective protein folding, compromised peptide binding activity and binding specificity, reduced transcriptional activity, impaired cisplatin sensitivity, and classified as non-functional based on a saturation genome editing (SGE) assay measuring cell survival (PMID: 20516115, 23867111, 28781887, 30209399, 30765603, 29884841, 35665744); Not observed at significant frequency in large population cohorts (gnomAD); In silico analysis supports that this missense variant has a deleterious effect on protein structure/function; Also known as 5335A>G; This variant is associated with the following publications: (PMID: 12827452, 20516115, 30209399, 31131967, 15004537, 28781887, 23867111, 31447099, 17305420, 15172985, 29752822, 34597585, 19491284, 30765603, 19949876, 15800311, 9333265, 29884841, 35665744, 35534704, 25348405, 32546644)

Color Diagnostics, LLC DBA Color Health
Classification: Likely pathogenic for Hereditary cancer-predisposing syndrome. Last evaluated: 2024-08-19. Review status: criteria provided, single submitter. Criteria: ACMG Guidelines, 2015. Collection method: clinical testing. Allele origin: germline.
Comment: This missense variant replaces aspartic acid with glycine at codon 1739 of the BRCA1 protein. Computational prediction suggests that this variant may have deleterious impact on protein structure and function. Functional studies have reported that this variant impacts BRCA1 function in homology-directed repair, transcription activation, human haploid cell proliferation and rescue of Brca1-deficient mouse embryonic stem cells in growth and cisplatin and PARP inhibitor sensitivity assays (PMID: 20516115, 30209399. 32546644). This variant has been observed in at least two individuals affected with breast cancer (PMID: 19491284, 33471991; Leiden Open Variation Database DB-ID BRCA1_000426) and several suspected breast and ovarian cancer families (PMID: 9333265, 12827452, 19949876), and it has been reported to cosegregate with disease (PMID: 15800311). This variant has not been identified in the general population by the Genome Aggregation Database (gnomAD). Based on the available evidence, this variant is classified as Likely Pathogenic.

Revvity Omics, Revvity
Classification: Likely pathogenic. Last evaluated: 2024-07-25. Review status: criteria provided, single submitter. Criteria: ACMG Guidelines, 2015. Collection method: clinical testing. Allele origin: germline.

Ambry Genetics
Classification: Pathogenic for Hereditary cancer-predisposing syndrome. Last evaluated: 2024-02-27. Review status: criteria provided, single submitter. Criteria: Ambry Variant Classification Scheme 2023. Collection method: clinical testing. Allele origin: germline.
Comment: The p.D1739G pathogenic mutation (also known as c.5216A>G), located in coding exon 18 of the BRCA1 gene, results from an A to G substitution at nucleotide position 5216. The aspartic acid at codon 1739 is replaced by glycine, an amino acid with similar properties. This alteration has been identified in several cohorts of breast and/or ovarian cancer patients and has been observed to segregate with disease in one of these families (Shattuck-Eidens D et al. JAMA, 1997 Oct;278:1242-50; Rostagno P et al. J. Hum. Genet., 2003 Jun;48:362-6; G&oacute;mez-Garc&iacute;a EB et al. J. Clin. Oncol., 2005 Apr;23:2185-90; Haffty BG et al. Ann. Oncol., 2009 Oct;20:1653-9; van Harssel JJ et al. Fam. Cancer, 2010 Jun;9:193-201; Li JY et al. Int J Cancer, 2019 01;144:281-289). This alteration was also found to be deficient in several functional studies including a high-throughput, genome editing, haploid cell survival assay, a yeast small colony assay, binding activity and specificity assays, transcription activation assays and cisplatin sensitivity assays (Findlay GM et al. Nature, 2018 10;562:217-222; Coyne RS et al. Cancer Biol. Ther., 2004 May;3:453-7; Lee MS et al. Cancer Res., 2010 Jun;70:4880-90; Bouwman P et al. Cancer Discov, 2013 Oct;3:1142-55; Woods NT et al. NPJ Genom Med, 2016 Mar;1; Bouwman P et al. Clin Cancer Res, 2020 09;26:4559-4568; Petitalot A et al. Mol Cancer Res, 2019 01;17:54-69). Several publications predict this alteration to have significant structural impact (Huyton T et al. Mutat. Res., 2000 Aug;460:319-32; , Mirkovic N et al. Cancer Res., 2004 Jun;64:3790-7; Karchin R et al. PLoS Comput. Biol., 2007 Feb;3:e26; Lee MS et al. Cancer Res., 2010 Jun;70:4880-90). Two other alterations at the same codon, p.D1739E (c.5217T>G) and p.D1739H (c.5215G>C), have been described in probands w/ HBOC-associated cancers and found to be deficient in functional studies (Lee MS et al. Cancer Res, 2010 Jun;70:4880-90; Woods NT et al. NPJ Genom Med, 2016 Mar;1; Findlay GM et al. Nature, 2018 10;562:217-222; Ha HI et al. J Gynecol Oncol, 2020 Nov;31:e83). This variant is considered to be rare based on population cohorts in the Genome Aggregation Database (gnomAD). This amino acid position is highly conserved in available vertebrate species. In addition, this alteration is predicted to be deleterious by in silico analysis. Based on the supporting evidence, this alteration is interpreted as a disease-causing mutation.

MGZ Medical Genetics Center
Classification: Likely pathogenic for Breast-ovarian cancer, familial, susceptibility to, 1. Last evaluated: 2022-02-25. Review status: criteria provided, single submitter. Criteria: ACMG Guidelines, 2015. Collection method: clinical testing. Allele origin: germline. Affected: yes. Observed: 3 variant alleles.
Comment: ACMG criteria applied: PS3, PS4_SUP, PM2_SUP, PP3

Baylor Genetics
Classification: Likely pathogenic for Breast-ovarian cancer, familial, susceptibility to, 1. Last evaluated: 2021-03-09. Review status: criteria provided, single submitter. Criteria: ACMG Guidelines, 2015. Collection method: clinical testing. Allele origin: unknown.

Human Genome Sequencing Center Clinical Lab, Baylor College of Medicine
Classification: Likely pathogenic for Familial breast-ovarian cancer 1. Last evaluated: 2018-10-08. Review status: criteria provided, single submitter. Criteria: ACMG Guidelines, 2015. Collection method: clinical testing. Allele origin: germline.
Comment: The c.5216A>G (p.Asp1739Gly) variant in the BRCA1 gene has been reported in multiple individuals with hereditary breast and ovarian cancer (PMID: 9333265, 12827452, 15800311, 19491284, 19949876). This variant has not been observed in the gnomAD database. Functional assays showed deleterious effect of this change (PMID: 20516115, 23867111). The Asp 1739 is a highly conserved residue, and multiple algorithms predicted this change to be deleterious. Therefore, the c.5216A>G (p.Asp1739Gly) variant in the BRCA1 gene is classified as likley pathogenic.